The following is an entry in ClinVar:

ClinVar aggregate classification (germline): Uncertain significance. Review status: criteria provided, multiple submitters, no conflicts (2 of 4 stars). 2 submissions from 2 submitters: Uncertain significance (2). Last evaluated 2024-11-01.

Conditions:
Hypertrophic cardiomyopathy. Also called: HYPERTROPHIC MYOCARDIOPATHY. Identifiers: Orphanet 217569, MedGen C0007194, MeSH D002312, MONDO:0005045, HP:0001639.

Allele frequency attached by ClinVar (database versions not stated): gnomAD exomes below 0.00001; ExAC 0.00001; gnomAD 0.00001; TOPMed 0.00001; ESP Exome Variant Server 0.00008.

Submissions (2):

Ambry Genetics
Classification: Uncertain significance. Last evaluated: 2024-11-01. Review status: criteria provided, single submitter. Criteria: Ambry Variant Classification Scheme 2023. Collection method: clinical testing. Allele origin: germline.
Comment: The p.A383T variant (also known as c.1147G>A), located in coding exon 7 of the MYOM1 gene, results from a G to A substitution at nucleotide position 1147. The alanine at codon 383 is replaced by threonine, an amino acid with similar properties. This amino acid position is conserved. In addition, this alteration is predicted to be tolerated by in silico analysis. Based on the available evidence, the clinical significance of this variant remains unclear.

Labcorp Genetics (formerly Invitae), Labcorp
Classification: Uncertain significance for Hypertrophic cardiomyopathy. Last evaluated: 2020-09-02. Review status: criteria provided, single submitter. Criteria: Invitae Variant Classification Sherloc (09022015). Collection method: clinical testing. Allele origin: germline.
Comment: This variant has not been reported in the literature in individuals with MYOM1-related conditions. Algorithms developed to predict the effect of missense changes on protein structure and function (SIFT, PolyPhen-2, Align-GVGD) all suggest that this variant is likely to be tolerated, but these predictions have not been confirmed by published functional studies and their clinical significance is uncertain. This variant is present in population databases (rs373382857, ExAC 0.002%). In summary, the available evidence is currently insufficient to determine the role of this variant in disease. Therefore, it has been classified as a Variant of Uncertain Significance. This sequence change replaces alanine with threonine at codon 383 of the MYOM1 protein (p.Ala383Thr). The alanine residue is weakly conserved and there is a small physicochemical difference between alanine and threonine.

NM_003803.4(MYOM1):c.1147G>A (p.Ala383Thr)

Gene: MYOM1 (myomesin 1; minus strand). Cytogenetic location: 18p11.31.
Variant type: single nucleotide variant.
Coding change: c.1147G>A on transcript NM_003803.4 (MANE Select); coding-DNA position 1147, G replaced by A.
Protein change: p.Ala383Thr; replaces alanine 383 with threonine.
Molecular consequence: missense variant.
Genome position (GRCh38, 1-based): chr18:3,173,965, C>T on the plus strand (G>A on the coding strand, the complement: MYOM1 is on the minus strand). VCF-style: chr18-3173965-C-T. GRCh37 (hg19) VCF-style: chr18-3173963-C-T.
Other names: c.1147G>A (NM_003803.3); c.1147G>A, p.Ala383Thr (NM_019856.2); short protein forms A383T.
Identifiers: ClinVar variation 1042809 (VCV001042809.9), dbSNP rs373382857, ClinGen allele CA8875035.